The following is an entry in ClinVar:

ClinVar aggregate classification (germline): Uncertain significance. Review status: criteria provided, multiple submitters, no conflicts (2 of 4 stars). 2 submissions from 2 submitters: Uncertain significance (2). Last evaluated 2024-11-18.

Submissions (2):

Blueprint Genetics
Classification: Uncertain significance. Last evaluated: 2024-11-18. Review status: criteria provided, single submitter. Criteria: ACMG Guidelines, 2015. Collection method: clinical testing. Allele origin: germline.

Labcorp Genetics (formerly Invitae), Labcorp
Classification: Uncertain significance. Last evaluated: 2024-09-08. Review status: criteria provided, single submitter. Criteria: Invitae Variant Classification Sherloc (09022015). Collection method: clinical testing. Allele origin: germline.
Comment: This sequence change replaces arginine, which is basic and polar, with cysteine, which is neutral and slightly polar, at codon 232 of the WFS1 protein (p.Arg232Cys). This variant is not present in population databases (gnomAD no frequency). This missense change has been observed in individual(s) with ataxia and polyneuropathy (PMID: 25133958). Invitae Evidence Modeling of protein sequence and biophysical properties (such as structural, functional, and spatial information, amino acid conservation, physicochemical variation, residue mobility, and thermodynamic stability) indicates that this missense variant is not expected to disrupt WFS1 protein function with a negative predictive value of 95%. In summary, the available evidence is currently insufficient to determine the role of this variant in disease. Therefore, it has been classified as a Variant of Uncertain Significance.

Literature cited by the submitters: PubMed 25133958 (cited by Labcorp Genetics (formerly Invitae), Labcorp).

NM_006005.3(WFS1):c.694C>T (p.Arg232Cys)

Gene: WFS1 (wolframin ER transmembrane glycoprotein; plus strand). Cytogenetic location: 4p16.1.
Variant type: single nucleotide variant.
Coding change: c.694C>T on transcript NM_006005.3 (MANE Select); coding-DNA position 694, C replaced by T.
Protein change: p.Arg232Cys; replaces arginine 232 with cysteine.
Molecular consequence: missense variant.
Genome position (GRCh38, 1-based): chr4:6,291,979, C>T. VCF-style: chr4-6291979-C-T. GRCh37 (hg19) VCF-style: chr4-6293706-C-T.
Other names: c.694C>T, p.Arg232Cys (NM_001145853.1); short protein forms R232C.
Identifiers: ClinVar variation 3650039 (VCV003650039.3).